The following is an entry in ClinVar:

NM_001146262.4(SYT14):c.38A>G (p.His13Arg)

Gene: SYT14 (synaptotagmin 14; plus strand). Cytogenetic location: 1q32.2.
Variant type: single nucleotide variant.
Coding change: c.38A>G on transcript NM_001146262.4 (MANE Select); coding-DNA position 38, A replaced by G.
Protein change: p.His13Arg; replaces histidine 13 with arginine.
Molecular consequence: missense variant. On other transcripts: 5 prime UTR variant (3), non-coding transcript variant (1).
Genome position (GRCh38, 1-based): chr1:209,952,733, A>G. VCF-style: chr1-209952733-A-G. GRCh37 (hg19) VCF-style: chr1-210126078-A-G.
Other names: c.52A>G, p.Met18Val (NM_001146261.4, NM_001146264.4); c.-282A>G (NM_001256006.3); c.-1012A>G (NM_001397544.1); c.-1217A>G (NM_001397545.1); c.38A>G, p.His13Arg (NM_153262.5); short protein forms H13R, M18V.
Identifiers: ClinVar variation 4682383 (VCV004682383.1).
Genomic context (GRCh38, chr1:209,952,733, plus strand): 5'-CTATGTTTTTAACTTCCCATAAACTTTTTTTAATAGGTGGAGAGAGAACCTGTGGAGTAC[A>G]TGAACTTATCTGTATTAGAAAAGGTAAGTCATTGCTCTGCATGGCTATTTACATACTAAA-3'
Protein context (NP_001139734.1, residues 3-23): IEGGERTCGV[His13Arg]ELICIRKVSP

ClinVar aggregate classification (germline): Uncertain significance (1 of 4 stars; one submission).

Submission:

Athena Diagnostics
Classification: Uncertain significance. Last evaluated: 2025-10-22. Review status: criteria provided, single submitter. Criteria: Athena Diagnostics Criteria. Collection method: clinical testing. Allele origin: unknown.
Comment: Available data are insufficient to determine the clinical significance of the variant at this time. This variant has not been reported in large, multi-ethnic general populations. Polyphen and MutationTaster predict this amino acid change may be benign.